The following is an entry in ClinVar:

NM_001029883.3(PCARE):c.771A>G (p.Lys257=)

Gene: PCARE (photoreceptor cilium actin regulator; minus strand). Cytogenetic location: 2p23.2.
Variant type: single nucleotide variant.
Coding change: c.771A>G on transcript NM_001029883.3 (MANE Select); coding-DNA position 771, A replaced by G.
Protein change: p.Lys257=; no amino-acid change (lysine 257 retained).
Molecular consequence: synonymous variant.
Genome position (GRCh38, 1-based): chr2:29,073,491, T>C on the plus strand (A>G on the coding strand, the complement: PCARE is on the minus strand). VCF-style: chr2-29073491-T-C. GRCh37 (hg19) VCF-style: chr2-29296357-T-C.
Other names: c.771A>G (NM_001029883.2).
Identifiers: ClinVar variation 1578924 (VCV001578924.9), dbSNP rs555585874, ClinGen allele CA1592572.

ClinVar aggregate classification (germline): Likely benign. Review status: criteria provided, multiple submitters, no conflicts (2 of 4 stars). 2 submissions from 2 submitters: Likely benign (2). Last evaluated 2025-06-09.

Conditions:
PCARE-related disorder. Also called: PCARE-related condition.

Allele frequency attached by ClinVar (database versions not stated): gnomAD 0.00001 and 0.00004; TOPMed 0.00002; gnomAD exomes 0.00004 and 0.00009; ExAC 0.00012; 1000 Genomes Project 30x 0.00016; 1000 Genomes Project 0.00020.
gnomAD v4.1: 67 of 1,614,110 alleles (0.0042%); highest among the groups gnomAD compares: South Asian, 0.066%; no homozygotes.

Submissions (2):

PreventionGenetics, part of Exact Sciences
Classification: Likely benign for PCARE-related condition. Last evaluated: 2025-06-09. Review status: criteria provided, single submitter. Criteria: ACMG Guidelines, 2015. Collection method: clinical testing. Allele origin: germline.
Comment: This variant is classified as likely benign based on ACMG/AMP sequence variant interpretation guidelines (Richards et al. 2015 PMID: 25741868, with internal and published modifications).

Labcorp Genetics (formerly Invitae), Labcorp
Classification: Likely benign. Last evaluated: 2024-07-16. Review status: criteria provided, single submitter. Criteria: Invitae Variant Classification Sherloc (09022015). Collection method: clinical testing. Allele origin: germline.